The following is an entry in ClinVar:

NM_020549.5(CHAT):c.125G>A (p.Arg42His)

Gene: CHAT (choline O-acetyltransferase; plus strand). Cytogenetic location: 10q11.23.
Variant type: single nucleotide variant.
Coding change: c.125G>A on transcript NM_020549.5 (MANE Select); coding-DNA position 125, G replaced by A.
Protein change: p.Arg42His; replaces arginine 42 with histidine.
Molecular consequence: missense variant. On other transcripts: 5 prime UTR variant (4), intron variant (2).
Genome position (GRCh38, 1-based): chr10:49,614,314, G>A. VCF-style: chr10-49614314-G-A. GRCh37 (hg19) VCF-style: chr10-50822360-G-A.
Other names: c.-230G>A (NM_001142929.2, NM_020985.4); c.-192G>A (NM_001142933.2); c.-300G>A (NM_001142934.2); c.-68-2188G>A (NM_020984.4); c.-69+1112G>A (NM_020986.4); short protein forms R42H.
Identifiers: ClinVar variation 3600280 (VCV003600280.2).

ClinVar aggregate classification (germline): Uncertain significance. Review status: criteria provided, multiple submitters, no conflicts (2 of 4 stars). 2 submissions from 2 submitters: Uncertain significance (2). Last evaluated 2025-01-23.

Conditions:
Familial infantile myasthenia (CMS6). Also called: MYASTHENIC SYNDROME, CONGENITAL, 6, PRESYNAPTIC; Congenital myasthenic syndrome type 6; MYASTHENIC SYNDROME, PRESYNAPTIC, CONGENITAL, ASSOCIATED WITH EPISODIC APNEA. Identifiers: Orphanet 590, MedGen C0393929, MONDO:0009689, OMIM 254210.

gnomAD v4.1: 7 of 1,547,724 alleles (0.00045%); highest among the groups gnomAD compares: Admixed American, 0.002%; no homozygotes.

Submissions (2):

Department of Human Genetics, Hannover Medical School
Classification: Uncertain significance for Familial infantile myasthenia. Last evaluated: 2025-01-23. Review status: criteria provided, single submitter. Criteria: ACMG Guidelines, 2015. Collection method: clinical testing. Allele origin: germline. Affected: yes.
Comment: ACMG: PM2_Supporting

Blueprint Genetics
Classification: Uncertain significance. Last evaluated: 2021-12-10. Review status: criteria provided, single submitter. Criteria: ACMG Guidelines, 2015. Collection method: clinical testing. Allele origin: germline.